The following is an entry in ClinVar:

ClinVar aggregate classification (germline): Uncertain significance. Review status: criteria provided, multiple submitters, no conflicts (2 of 4 stars). 2 submissions from 2 submitters: Uncertain significance (2). Last evaluated 2024-02-17.

Conditions:
X-linked lymphoproliferative disease due to XIAP deficiency. Also called: XIAP DEFICIENCY; XIAP-Related Lymphoproliferative Disease, X-Linked. Identifiers: Orphanet 2442, Orphanet 538934, MedGen C1845076, MONDO:0010385, OMIM 300635.

Allele frequency attached by ClinVar (database versions not stated): gnomAD exomes below 0.00001.

Submissions (2):

Labcorp Genetics (formerly Invitae), Labcorp
Classification: Uncertain significance for X-linked lymphoproliferative disease due to XIAP deficiency. Last evaluated: 2024-02-17. Review status: criteria provided, single submitter. Criteria: Invitae Variant Classification Sherloc (09022015). Collection method: clinical testing. Allele origin: germline.
Comment: This sequence change replaces tyrosine, which is neutral and polar, with cysteine, which is neutral and slightly polar, at codon 161 of the XIAP protein (p.Tyr161Cys). This variant is not present in population databases (gnomAD no frequency). This variant has not been reported in the literature in individuals affected with XIAP-related conditions. ClinVar contains an entry for this variant (Variation ID: 853520). Advanced modeling of protein sequence and biophysical properties (such as structural, functional, and spatial information, amino acid conservation, physicochemical variation, residue mobility, and thermodynamic stability) performed at Invitae indicates that this missense variant is not expected to disrupt XIAP protein function with a negative predictive value of 80%. In summary, the available evidence is currently insufficient to determine the role of this variant in disease. Therefore, it has been classified as a Variant of Uncertain Significance.

Breakthrough Genomics
Classification: Uncertain significance. Review status: criteria provided, single submitter. Criteria: ACMG Guidelines, 2015. Collection method: not provided. Allele origin: germline. Inheritance: X-linked recessive inheritance. Affected: yes.

NM_001167.4(XIAP):c.482A>G (p.Tyr161Cys)

Gene: XIAP (X-linked inhibitor of apoptosis; plus strand). Cytogenetic location: Xq25.
Variant type: single nucleotide variant.
Coding change: c.482A>G on transcript NM_001167.4 (MANE Select); coding-DNA position 482, A replaced by G.
Protein change: p.Tyr161Cys; replaces tyrosine 161 with cysteine.
Molecular consequence: missense variant.
Genome position (GRCh38, 1-based): chrX:123,886,144, A>G. VCF-style: chrX-123886144-A-G. GRCh37 (hg19) VCF-style: chrX-123019994-A-G.
Other names: c.482A>G, p.Tyr161Cys (NM_001204401.2, NM_001378590.1, NM_001378591.1 and 1 more transcripts); short protein forms Y161C.
Identifiers: ClinVar variation 853520 (VCV000853520.7), dbSNP rs2053349276, ClinGen allele CA414123761.